The following is an entry in ClinVar:

ClinVar aggregate classification (germline): Uncertain significance (1 of 4 stars; one submission).

Submission:

GeneDx
Classification: Uncertain significance. Last evaluated: 2019-11-07. Review status: criteria provided, single submitter. Criteria: GeneDx Variant Classification Process June 2021. Collection method: clinical testing. Allele origin: germline. Affected: yes.
Comment: Not observed in large population cohorts (Lek et al., 2016); In silico analysis, which includes protein predictors and evolutionary conservation, supports a deleterious effect; Has not been previously published as pathogenic or benign to our knowledge

NM_023110.3(FGFR1):c.1120T>G (p.Tyr374Asp)

Gene: FGFR1 (fibroblast growth factor receptor 1; minus strand). Cytogenetic location: 8p11.23.
Variant type: single nucleotide variant.
Coding change: c.1120T>G on transcript NM_023110.3 (MANE Select); coding-DNA position 1120, T replaced by G.
Protein change: p.Tyr374Asp; replaces tyrosine 374 with aspartic acid.
Molecular consequence: missense variant.
Genome position (GRCh38, 1-based): chr8:38,419,697, A>C on the plus strand (T>G on the coding strand, the complement: FGFR1 is on the minus strand). VCF-style: chr8-38419697-A-C. GRCh37 (hg19) VCF-style: chr8-38277215-A-C.
Other names: c.1120T>G, p.Tyr374Asp (NM_001174063.2); c.1096T>G, p.Tyr366Asp (NM_001174064.2); c.1114T>G, p.Tyr372Asp (NM_001174065.2, NM_001354367.2, NM_001354369.2 and 1 more transcripts); c.853T>G, p.Tyr285Asp (NM_001174066.2, NM_023105.3); c.1213T>G, p.Tyr405Asp (NM_001174067.2); c.847T>G, p.Tyr283Asp (NM_001354368.2, NM_001354370.2, NM_023106.3); short protein forms Y283D, Y285D, Y366D, Y372D, Y374D, Y405D.
Identifiers: ClinVar variation 1310227 (VCV001310227.2), dbSNP rs2150713606, ClinGen allele CA370733963.